The following is an entry in ClinVar:

NM_005751.5(AKAP9):c.3689C>G (p.Ser1230Cys)

Gene: AKAP9 (A-kinase anchoring protein 9; plus strand). Cytogenetic location: 7q21.2.
Variant type: single nucleotide variant.
Coding change: c.3689C>G on transcript NM_005751.5 (MANE Select); coding-DNA position 3689, C replaced by G.
Protein change: p.Ser1230Cys; replaces serine 1230 with cysteine.
Molecular consequence: missense variant.
Genome position (GRCh38, 1-based): chr7:92,016,205, C>G. VCF-style: chr7-92016205-C-G. GRCh37 (hg19) VCF-style: chr7-91645519-C-G.
Other names: c.3689C>G, p.Ser1230Cys (NM_147185.3); short protein forms S1230C.
Identifiers: ClinVar variation 1984656 (VCV001984656.4), dbSNP rs2484731314, ClinGen allele CA368127004.

ClinVar aggregate classification (germline): Uncertain significance (1 of 4 stars; one submission).

Conditions:
Long QT syndrome (LQTS). Identifiers: MedGen C0023976, MeSH D008133, MONDO:0002442. Disease mechanism: loss of function. Inheritance: Various modes of inheritance.

Submission:

Labcorp Genetics (formerly Invitae), Labcorp
Classification: Uncertain significance for Long QT syndrome. Last evaluated: 2022-06-28. Review status: criteria provided, single submitter. Criteria: Invitae Variant Classification Sherloc (09022015). Collection method: clinical testing. Allele origin: germline.
Comment: In summary, the available evidence is currently insufficient to determine the role of this variant in disease. Therefore, it has been classified as a Variant of Uncertain Significance. Algorithms developed to predict the effect of missense changes on protein structure and function output the following: SIFT: "Deleterious"; PolyPhen-2: "Benign"; Align-GVGD: "Class C0". The cysteine amino acid residue is found in multiple mammalian species, which suggests that this missense change does not adversely affect protein function. This variant has not been reported in the literature in individuals affected with AKAP9-related conditions. This variant is not present in population databases (gnomAD no frequency). This sequence change replaces serine, which is neutral and polar, with cysteine, which is neutral and slightly polar, at codon 1230 of the AKAP9 protein (p.Ser1230Cys).